The following is an entry in ClinVar:

ClinVar aggregate classification (germline): Uncertain significance (1 of 4 stars; one submission).

Conditions:
Brachyolmia-amelogenesis imperfecta syndrome. Also called: PLATYSPONDYLY WITH AMELOGENESIS IMPERFECTA; Tooth agenesis, selective, 6; Dental anomalies and short stature. Identifiers: Orphanet 2899, MedGen C1832594, MONDO:0011018, OMIM 601216. Disease mechanism: loss of function.

Allele frequency attached by ClinVar (database versions not stated): TOPMed 0.00001; ExAC 0.00003.

Submission:

Labcorp Genetics (formerly Invitae), Labcorp
Classification: Uncertain significance for Brachyolmia-amelogenesis imperfecta syndrome. Last evaluated: 2024-01-25. Review status: criteria provided, single submitter. Criteria: Invitae Variant Classification Sherloc (09022015). Collection method: clinical testing. Allele origin: germline.
Comment: This sequence change replaces proline, which is neutral and non-polar, with leucine, which is neutral and non-polar, at codon 271 of the LTBP3 protein (p.Pro271Leu). The frequency data for this variant in the population databases is considered unreliable, as metrics indicate poor data quality at this position in the gnomAD database. This variant has not been reported in the literature in individuals affected with LTBP3-related conditions. An algorithm developed to predict the effect of missense changes on protein structure and function (PolyPhen-2) suggests that this variant is likely to be tolerated. In summary, the available evidence is currently insufficient to determine the role of this variant in disease. Therefore, it has been classified as a Variant of Uncertain Significance.

NM_001130144.3(LTBP3):c.812C>T (p.Pro271Leu)

Gene: LTBP3 (latent transforming growth factor beta binding protein 3; minus strand). Cytogenetic location: 11q13.1.
Variant type: single nucleotide variant.
Coding change: c.812C>T on transcript NM_001130144.3 (MANE Select); coding-DNA position 812, C replaced by T.
Protein change: p.Pro271Leu; replaces proline 271 with leucine.
Molecular consequence: missense variant.
Genome position (GRCh38, 1-based): chr11:65,553,753, G>A on the plus strand (C>T on the coding strand, the complement: LTBP3 is on the minus strand). VCF-style: chr11-65553753-G-A. GRCh37 (hg19) VCF-style: chr11-65321224-G-A.
Other names: c.461C>T, p.Pro154Leu (NM_001164266.1); c.812C>T, p.Pro271Leu (NM_021070.4); short protein forms P271L, P154L.
Identifiers: ClinVar variation 2960025 (VCV002960025.3), dbSNP rs768788797, ClinGen allele CA6101155.